The following is an entry in ClinVar:

ClinVar aggregate classification (germline): Uncertain significance (1 of 4 stars; one submission).

Conditions:
Amyotrophic lateral sclerosis type 21. Also called: VOCAL CORD AND PHARYNGEAL DYSFUNCTION WITH DISTAL MYOPATHY; MYOPATHY, DISTAL, 2. Identifiers: Orphanet 600, Orphanet 803, MedGen C3807521, MONDO:0011632, OMIM 606070.

Submission:

Labcorp Genetics (formerly Invitae), Labcorp
Classification: Uncertain significance for Amyotrophic lateral sclerosis type 21. Last evaluated: 2021-12-21. Review status: criteria provided, single submitter. Criteria: Invitae Variant Classification Sherloc (09022015). Collection method: clinical testing. Allele origin: germline.
Comment: This sequence change replaces aspartic acid, which is acidic and polar, with asparagine, which is neutral and polar, at codon 793 of the MATR3 protein (p.Asp793Asn). This variant is not present in population databases (gnomAD no frequency). This variant has not been reported in the literature in individuals affected with MATR3-related conditions. Algorithms developed to predict the effect of missense changes on protein structure and function (SIFT, PolyPhen-2, Align-GVGD) all suggest that this variant is likely to be tolerated. In summary, the available evidence is currently insufficient to determine the role of this variant in disease. Therefore, it has been classified as a Variant of Uncertain Significance.

NM_018834.6(MATR3):c.2377G>A (p.Asp793Asn)

Gene: MATR3 (matrin 3; plus strand). Cytogenetic location: 5q31.2.
Variant type: single nucleotide variant.
Coding change: c.2377G>A on transcript NM_018834.6 (MANE Select); coding-DNA position 2377, G replaced by A.
Protein change: p.Asp793Asn; replaces aspartic acid 793 with asparagine.
Molecular consequence: missense variant.
Genome position (GRCh38, 1-based): chr5:139,326,168, G>A. VCF-style: chr5-139326168-G-A. GRCh37 (hg19) VCF-style: chr5-138661857-G-A.
Other names: c.2521G>A, p.Asp841Asn (NM_001400444.1, NM_001400445.1, NM_001400441.1 and 2 more transcripts); c.2377G>A, p.Asp793Asn (NM_001400447.1, NM_001400448.1, NM_001400450.1 and 11 more transcripts); c.1363G>A, p.Asp455Asn (NM_001400462.1, NM_001400463.1, NM_001400464.1 and 4 more transcripts); c.1516G>A, p.Asp506Asn (NM_001400459.1); c.1507G>A, p.Asp503Asn (NM_001400460.1); c.1477G>A, p.Asp493Asn (NM_001400461.1); c.1513G>A, p.Asp505Asn (NM_001194956.2); short protein forms D505N, D455N, D841N, D506N, D793N, D493N, D503N.
Identifiers: ClinVar variation 2051387 (VCV002051387.4), dbSNP rs1755842813, ClinGen allele CA361146719.